The following is an entry in ClinVar:

ClinVar aggregate classification (germline): Pathogenic (1 of 4 stars; one submission).

Conditions:
Nemaline myopathy 2 (NEM2). Also called: Nemaline myopathy 2, autosomal recessive. Identifiers: MedGen C1850569, MONDO:0009725, OMIM 256030.

Submission:

Myriad Genetics, Inc.
Classification: Pathogenic for Nemaline myopathy 2. Last evaluated: 2024-07-06. Review status: criteria provided, single submitter. Criteria: Myriad Autosomal Dominant, Autosomal Recessive and X-Linked Classification Criteria (2023). Collection method: clinical testing. Allele origin: unknown.
Comment: NM_001271208.1(NEB):c.4434delC(V1479Sfs*22) is expected to be pathogenic in the context of NEB-related nemaline myopathy. This variant is predicted to lead to an abnormal or absent protein product due to the creation of a premature termination codon in NEB, a gene where loss-of-function variants are known to be pathogenic. Please note: this variant was assessed in the context of healthy population screening.

NM_001164508.2(NEB):c.4434del (p.Val1479fs)

Gene: NEB (nebulin; minus strand). Cytogenetic location: 2q23.3.
Variant type: Deletion.
Coding change: c.4434del on transcript NM_001164508.2 (MANE Select); coding-DNA position 4434, one base deleted (C; older notation c.4434delC).
Protein change: p.Val1479fs; shifts the reading frame from valine 1479.
Molecular consequence: frameshift variant.
Genome position (GRCh38, 1-based): chr2:151,671,095, G deleted on the plus strand (C on the coding strand, the reverse complement: NEB is on the minus strand); the first of 2 consecutive G bases (chr2:151,671,095-151,671,096); deleting either gives the same sequence. VCF-style (leftmost placement, unchanged base first): chr2-151671094-CG-C. GRCh37 (hg19) VCF-style: chr2-152527608-CG-C.
Other names: c.4434del, p.Val1479fs (NM_001164507.2, NM_001271208.2, NM_004543.5); short protein forms V1479fs.
Identifiers: ClinVar variation 5013290 (VCV005013290.1).